The following is an entry in ClinVar:

ClinVar aggregate classification (germline): Pathogenic (1 of 4 stars; one submission).

Conditions:
Neuronal ceroid lipofuscinosis 11. Also called: GRN-Related Neuronal Ceroid-Lipofuscinosis. Identifiers: Orphanet 314629, Orphanet 79262, MedGen C3539123, MONDO:0013866, OMIM 614706.
GRN-related frontotemporal lobar degeneration with Tdp43 inclusions (FTD2). Also called: DEMENTIA, HEREDITARY DYSPHASIC DISINHIBITION; FRONTOTEMPORAL LOBAR DEGENERATION WITH UBIQUITIN-POSITIVE INCLUSIONS; FTLD-TDP, GRN-RELATED; GRN Frontotemporal Dementia; FRONTOTEMPORAL DEMENTIA WITH TDP43 INCLUSIONS, GRN-RELATED. Identifiers: Orphanet 100070, Orphanet 282, MedGen C1843792, MONDO:0011842, OMIM 607485. Disease mechanism: loss of function.

Submission:

Labcorp Genetics (formerly Invitae), Labcorp
Classification: Pathogenic for Neuronal ceroid lipofuscinosis 11; GRN-related frontotemporal lobar degeneration with Tdp43 inclusions. Last evaluated: 2020-11-15. Review status: criteria provided, single submitter. Criteria: Invitae Variant Classification Sherloc (09022015). Collection method: clinical testing. Allele origin: germline.
Comment: This sequence change creates a premature translational stop signal (p.Gln406*) in the GRN gene. It is expected to result in an absent or disrupted protein product. Loss-of-function variants in GRN are known to be pathogenic (PMID: 22608501). This variant is not present in population databases (ExAC no frequency). This variant has been observed in individual(s) with GRN-related conditions (PMID: 29724592). For these reasons, this variant has been classified as Pathogenic.

Literature cited by the submitters: PubMed 22608501; PubMed 29724592.

NM_002087.4(GRN):c.1216C>T (p.Gln406Ter)

Gene: GRN (granulin precursor; plus strand). Cytogenetic location: 17q21.31.
Variant type: single nucleotide variant.
Coding change: c.1216C>T on transcript NM_002087.4 (MANE Select); coding-DNA position 1216, C replaced by T.
Protein change: p.Gln406Ter; replaces glutamine 406 with a stop codon.
Molecular consequence: nonsense.
Genome position (GRCh38, 1-based): chr17:44,352,051, C>T. VCF-style: chr17-44352051-C-T. GRCh37 (hg19) VCF-style: chr17-42429419-C-T.
Other names: short protein forms Q406*.
Identifiers: ClinVar variation 1455419 (VCV001455419.8), dbSNP rs2143344360, ClinGen allele CA399768313.